The following is an entry in ClinVar:

ClinVar aggregate classification (germline): Benign. Review status: criteria provided, multiple submitters, no conflicts (2 of 4 stars). 4 submissions from 4 submitters: Benign (4). Last evaluated 2026-02-03.

Conditions:
Progressive myoclonic epilepsy type 8. Identifiers: Orphanet 424027, MedGen C5190825, MONDO:0014545, OMIM 616230.

Allele frequency attached by ClinVar (database versions not stated): gnomAD exomes 0.09657; 1000 Genomes Project 0.24561; gnomAD 0.25040 and 0.25589; ExAC 0.25395; 1000 Genomes Project 30x 0.26156; TOPMed 0.26177.
gnomAD v4.1: 251,556 of 1,279,768 alleles (20%); highest among the groups gnomAD compares: African/African-American, 45%; 27,646 homozygotes.

Submissions (4):

Labcorp Genetics (formerly Invitae), Labcorp
Classification: Benign for Progressive myoclonic epilepsy type 8. Last evaluated: 2026-02-03. Review status: criteria provided, single submitter. Criteria: Invitae Variant Classification Sherloc (09022015). Collection method: clinical testing. Allele origin: germline.

Laboratory for Molecular Medicine, Mass General Brigham Personalized Medicine
Classification: Benign. Last evaluated: 2016-03-28. Review status: criteria provided, single submitter. Criteria: LMM Criteria. Collection method: clinical testing. Allele origin: germline.
Comment: Variant identified in a genome or exome case(s) and assessed due to predicted null impact of the variant or pathogenic assertions in the literature or databases. Disclaimer: This variant has not undergone full assessment. The following are preliminary notes: MAF

GeneDx
Classification: Benign. Last evaluated: 2015-03-03. Review status: criteria provided, single submitter. Criteria: GeneDx Variant Classification Process June 2021. Collection method: clinical testing. Allele origin: germline. Affected: yes.

Breakthrough Genomics
Classification: Benign. Review status: criteria provided, single submitter. Criteria: ACMG Guidelines, 2015. Collection method: not provided. Allele origin: germline. Inheritance: Autosomal recessive inheritance. Affected: yes.

NM_001492.6(GDF1):c.-1089T>C

Genes: GDF1 (growth differentiation factor 1; minus strand), CERS1 (ceramide synthase 1; minus strand). Cytogenetic location: 19p13.11.
Variant type: single nucleotide variant.
Coding change: c.-1089T>C on transcript NM_001492.6 (MANE Select); 1089 bases upstream of the start codon, T replaced by C.
Molecular consequence: 5 prime UTR variant. On other transcripts: synonymous variant (5), intron variant (3).
Genome position (GRCh38, 1-based): chr19:18,895,839, A>G on the plus strand (T>C on the coding strand, the complement: GDF1 is on the minus strand). VCF-style: chr19-18895839-A-G. GRCh37 (hg19) VCF-style: chr19-19006648-A-G.
Other names: c.234T>C, p.Thr78= (NM_001387439.1, NM_001387440.1, NM_001387441.1 and 2 more transcripts); c.-295T>C (NM_001387444.1); c.-242T>C (NM_001387445.1); c.-669T>C (NM_001387438.1); c.-46+887T>C (NM_001387443.1); c.-46+722T>C (NM_001387442.1, NM_001290265.2).
Identifiers: ClinVar variation 137458 (VCV000137458.16), dbSNP rs113536478, ClinGen allele CA291051.